The following is an entry in ClinVar:

ClinVar aggregate classification (germline): Uncertain significance (1 of 4 stars; one submission).

Conditions:
Neurodevelopmental disorder with regression, abnormal movements, loss of speech, and seizures. Identifiers: Orphanet 597623, MedGen C4748127, MONDO:0060759, OMIM 618088.

Submission:

Juno Genomics, Hangzhou Juno Genomics, Inc
Classification: Uncertain significance for Neurodevelopmental disorder with regression, abnormal movements, loss of speech, and seizures. Review status: criteria provided, single submitter. Criteria: ACMG Guidelines, 2015. Collection method: clinical testing. Allele origin: germline.
Comment: Absent from controls (or at extremely low frequency if recessive) in Genome Aggregation Database.;Protein length changes due to in-frame deletions/insertions in a non-repeat region or stop-loss variants.

NM_024496.4(IRF2BPL):c.261_284del (p.Ala95_Ala102del)

Genes: IRF2BPL (interferon regulatory factor 2 binding protein like; minus strand), LOC107984638 (uncharacterized LOC107984638; plus strand). Cytogenetic location: 14q24.3.
Variant type: Deletion.
Coding change: c.261_284del on transcript NM_024496.4 (MANE Select); coding-DNA positions 261 to 284, 24 bases deleted (AGCGGCGGCGGCGGCGGCAGCAGC).
Protein change: p.Ala95_Ala102del.
Molecular consequence: inframe deletion. On other transcripts: non-coding transcript variant (3).
Genome position (GRCh38, 1-based): chr14:77,027,509-77,027,532, GCTGCTGCCGCCGCCGCCGCCGCT deleted on the plus strand (AGCGGCGGCGGCGGCGGCAGCAGC on the coding strand, the reverse complement: IRF2BPL is on the minus strand). VCF-style (leftmost placement, unchanged base first): chr14-77027508-CGCTGCTGCCGCCGCCGCCGCCGCT-C. GRCh37 (hg19) VCF-style: chr14-77493851-CGCTGCTGCCGCCGCCGCCGCCGCT-C.
Identifiers: ClinVar variation 5018917 (VCV005018917.2).